The following is an entry in ClinVar:

ClinVar aggregate classification (germline): Likely benign. Review status: criteria provided, single submitter (1 of 4 stars). 2 submissions from 2 submitters: Likely benign (1). 1 of the submissions does not count toward it. Last evaluated 2019-10-17.

Conditions:
Ovarian neoplasm. Also called: Ovarian Neoplasms; Neoplasm of ovary; Ovarian tumor. Identifiers: MedGen C0919267, MeSH D010051, MONDO:0021068, HP:0100615.
Leigh syndrome (NULS). Also called: Leigh's syndrome; Leigh Syndrome (mtDNA deletion); Leigh Disease; Subacute necrotizing encephalopathy; Necrotizing encephalopathy infantile subacute of Leigh; LEIGH SYNDROME, NUCLEAR. Identifiers: Orphanet 506, MedGen C2931891, MONDO:0009723, OMIM 256000.

Submissions (2):

Wong Mito Lab, Molecular and Human Genetics, Baylor College of Medicine
Classification: Likely benign for Leigh syndrome. Last evaluated: 2019-10-17. Review status: criteria provided, single submitter. Criteria: Modified ACMG Guidelines (Unpublished). Collection method: clinical testing. Allele origin: germline.
Comment: The NC_012920.1:m.15459C>T (YP_003024038.1:p.Ser238Phe) variant in MTCYB gene is interpretated to be a Likely Benign variant based on the modified ACMG guidelines (unpublished). This variant meets the following evidence codes: BS1, BP4

Department of Zoology Govt. MVM College
Classification: Likely pathogenic for Neoplasm of ovary. Review status: no assertion criteria provided. Collection method: not provided. Allele origin: unknown. Not counted in ClinVar's aggregate classification.
Comment: KM275489
ClinVar note: Converted during submission from probable-pathogenic to Likely pathogenic.

NC_012920.1(MT-CYB):m.15459C>T

Gene: MT-CYB (mitochondrially encoded cytochrome b; plus strand).
Variant type: single nucleotide variant.
Genome position: chrM-15459-C-T.
Identifiers: ClinVar variation 143891 (VCV000143891.3), dbSNP rs527236186, ClinGen allele CA170528.